The following is an entry in ClinVar:

NM_170606.3(KMT2C):c.6302C>T (p.Pro2101Leu)

Gene: KMT2C (lysine methyltransferase 2C; minus strand). Cytogenetic location: 7q36.1.
Variant type: single nucleotide variant.
Coding change: c.6302C>T on transcript NM_170606.3 (MANE Select); coding-DNA position 6302, C replaced by T.
Protein change: p.Pro2101Leu; replaces proline 2101 with leucine.
Molecular consequence: missense variant.
Genome position (GRCh38, 1-based): chr7:152,181,558, G>A on the plus strand (C>T on the coding strand, the complement: KMT2C is on the minus strand). VCF-style: chr7-152181558-G-A. GRCh37 (hg19) VCF-style: chr7-151878643-G-A.
Other names: short protein forms P2101L.
Identifiers: ClinVar variation 1489761 (VCV001489761.7), dbSNP rs2093435062, ClinGen allele CA370095441.
Genomic context (GRCh38, chr7:152,181,558, plus strand): 5'-GTTCCAGGCTGGGAAAAAGCCCTTGAAGGATGGGCAAAAGATTCATTCACTGCTGGATGT[G>A]GGGTAAGGGGAGGCTGACTATATGGATCATTTGACTGATTATGAGAAAAATTATCTATAG-3'
Protein context (NP_733751.2, residues 2091-2111): NDPYSQPPLT[Pro2101Leu]HPAVNESFAH

ClinVar aggregate classification (germline): Conflicting classifications of pathogenicity. Review status: criteria provided, conflicting classifications (1 of 4 stars). 2 submissions from 2 submitters: Uncertain significance (1); Likely benign (1). Last evaluated 2024-09-20.

Conditions:
Kleefstra syndrome 2 (KLEFS2). Identifiers: MedGen C4540395, MONDO:0054701, OMIM 617768.

Submissions (2):

3billion
Classification: Likely benign for Kleefstra syndrome 2. Last evaluated: 2024-09-20. Review status: criteria provided, single submitter. Criteria: ACMG Guidelines, 2015. Collection method: clinical testing. Allele origin: germline. Affected: no.
Comment: The variant was identified in at least one patient who was diagnosed with a different variant in another gene and showed no symptoms related to the gene containing the variant in question.

Labcorp Genetics (formerly Invitae), Labcorp
Classification: Uncertain significance. Last evaluated: 2021-12-02. Review status: criteria provided, single submitter. Criteria: Invitae Variant Classification Sherloc (09022015). Collection method: clinical testing. Allele origin: germline.
Comment: Algorithms developed to predict the effect of missense changes on protein structure and function are either unavailable or do not agree on the potential impact of this missense change (SIFT: "Deleterious"; PolyPhen-2: "Possibly Damaging"; Align-GVGD: "Class C0"). In summary, the available evidence is currently insufficient to determine the role of this variant in disease. Therefore, it has been classified as a Variant of Uncertain Significance. This variant has not been reported in the literature in individuals affected with KMT2C-related conditions. This variant is not present in population databases (gnomAD no frequency). This sequence change replaces proline, which is neutral and non-polar, with leucine, which is neutral and non-polar, at codon 2101 of the KMT2C protein (p.Pro2101Leu).